The following is an entry in ClinVar:

NM_006767.4(LZTR1):c.1615+11_1615+20del

Gene: LZTR1 (leucine zipper like post translational regulator 1; plus strand). Cytogenetic location: 22q11.21.
Variant type: Deletion.
Coding change: c.1615+11_1615+20del on transcript NM_006767.4 (MANE Select); bases 11 to 20 of the intron after coding-DNA position 1615, 10 bases deleted (GTGGGGGTGG; older notation c.1615+11_1615+20delGTGGGGGTGG).
Molecular consequence: intron variant.
Genome position (GRCh38, 1-based): chr22:20,994,280-20,994,289, GTGGGGGTGG deleted; deleting any 10 consecutive bases within chr22:20,994,277-20,994,289 gives the same sequence; the c. name uses the placement nearest the transcript's 3' end. VCF-style (leftmost placement, unchanged base first): chr22-20994276-CTGGGTGGGGG-C. GRCh37 (hg19) VCF-style: chr22-21348565-CTGGGTGGGGG-C.
Other names: c.1615+11_1615+20del10 (NM_006767.4).
Identifiers: ClinVar variation 2044364 (VCV002044364.6), dbSNP rs1323335446, ClinGen allele CA638942451.

ClinVar aggregate classification (germline): Likely benign. Review status: criteria provided, multiple submitters, no conflicts (2 of 4 stars). 3 submissions from 3 submitters: Likely benign (3). Last evaluated 2025-11-05.

Submissions (3):

Labcorp Genetics (formerly Invitae), Labcorp
Classification: Likely benign. Last evaluated: 2025-11-05. Review status: criteria provided, single submitter. Criteria: Invitae Variant Classification Sherloc (09022015). Collection method: clinical testing. Allele origin: germline.

Women's Health and Genetics/Laboratory Corporation of America, LabCorp
Classification: Likely benign. Last evaluated: 2024-12-20. Review status: criteria provided, single submitter. Criteria: LabCorp Variant Classification Summary - May 2015. Collection method: clinical testing. Allele origin: germline.
Comment: Variant summary: LZTR1 c.1615+11_1615+20del10 alters a nucleotide located at a position not widely known to affect splicing. Consensus agreement among computation tools predict no significant impact on normal splicing. However, these predictions have yet to be confirmed by functional studies. The variant was absent in 229804 control chromosomes. The available data on variant occurrences in the general population are insufficient to allow any conclusion about variant significance. To our knowledge, no occurrence of c.1615+11_1615+20del10 in individuals affected with Noonan Syndrome and no experimental evidence demonstrating its impact on protein function have been reported. ClinVar contains an entry for this variant (Variation ID: 2044364). Based on the evidence outlined above, the variant was classified as likely benign.

Blueprint Genetics
Classification: Likely benign. Last evaluated: 2024-11-13. Review status: criteria provided, single submitter. Criteria: ACMG Guidelines, 2015. Collection method: clinical testing. Allele origin: germline.